The following is an entry in ClinVar:

ClinVar aggregate classification (germline): Likely pathogenic (1 of 4 stars; one submission).

Conditions:
Autosomal recessive distal spinal muscular atrophy 1. Also called: HMN VI; NEURONOPATHY, SEVERE INFANTILE AXONAL, WITH RESPIRATORY FAILURE; SEVERE INFANTILE AXONAL NEUROPATHY WITH RESPIRATORY FAILURE; SPINAL MUSCULAR ATROPHY, DIAPHRAGMATIC; Spinal muscular atrophy with respiratory distress 1; NEURONOPATHY, DISTAL HEREDITARY MOTOR, HARDING TYPE VI. Identifiers: Orphanet 98920, MedGen C1858517, MONDO:0011436, OMIM 604320.
Charcot-Marie-Tooth disease axonal type 2S. Also called: CHARCOT-MARIE-TOOTH NEUROPATHY, TYPE 2S; CHARCOT-MARIE-TOOTH DISEASE, AXONAL, AUTOSOMAL RECESSIVE, TYPE 2S. Identifiers: Orphanet 443073, MedGen C4015349, MONDO:0014511, OMIM 616155.

Submission:

Labcorp Genetics (formerly Invitae), Labcorp
Classification: Likely pathogenic for Autosomal recessive distal spinal muscular atrophy 1; Charcot-Marie-Tooth disease axonal type 2S. Last evaluated: 2023-01-23. Review status: criteria provided, single submitter. Criteria: Invitae Variant Classification Sherloc (09022015). Collection method: clinical testing. Allele origin: germline.
Comment: In summary, the currently available evidence indicates that the variant is pathogenic, but additional data are needed to prove that conclusively. Therefore, this variant has been classified as Likely Pathogenic. Algorithms developed to predict the effect of sequence changes on RNA splicing suggest that this variant may disrupt the consensus splice site. This variant has not been reported in the literature in individuals affected with IGHMBP2-related conditions. This variant is not present in population databases (gnomAD no frequency). This variant results in the deletion of part of exon 6 (c.905_912+85del) of the IGHMBP2 gene. It is expected to disrupt RNA splicing. Variants that disrupt the donor or acceptor splice site typically lead to a loss of protein function (PMID: 16199547), and loss-of-function variants in IGHMBP2 are known to be pathogenic (PMID: 14681881, 25439726, 25568292).

Literature cited by the submitters: PubMed 16199547; PubMed 14681881; PubMed 25439726; PubMed 25568292.

NM_002180.3(IGHMBP2):c.905_912+85del

Gene: IGHMBP2 (immunoglobulin mu DNA binding protein 2; plus strand). Cytogenetic location: 11q13.3.
Variant type: Deletion.
Coding change: c.905_912+85del on transcript NM_002180.3 (MANE Select); coding-DNA position 905 through 85 bases into the intron after coding-DNA position 912, 93 bases deleted.
Molecular consequence: splice donor variant.
Genome position (GRCh38, 1-based): chr11:68,915,016-68,915,108, 93 bases deleted. GRCh37 (hg19): chr11:68,682,484-68,682,576.
Identifiers: ClinVar variation 2943560 (VCV002943560.3), dbSNP rs2495982495, ClinGen allele CA2740093108.